The following is an entry in ClinVar:

NM_000077.5(CDKN2A):c.458-80C>T

Gene: CDKN2A (cyclin dependent kinase inhibitor 2A; minus strand). Cytogenetic location: 9p21.3.
Variant type: single nucleotide variant.
Coding change: c.458-80C>T on transcript NM_000077.5 (MANE Select); 80 bases into the intron before coding-DNA position 458, C replaced by T.
Molecular consequence: intron variant.
Genome position (GRCh38, 1-based): chr9:21,968,322, G>A on the plus strand (C>T on the coding strand, the complement: CDKN2A is on the minus strand). VCF-style: chr9-21968322-G-A. GRCh37 (hg19) VCF-style: chr9-21968321-G-A.
Other names: c.305-80C>T (NM_001363763.2); c.*102-80C>T (NM_058195.4); c.*151-80C>T (NM_001195132.2); c.*381-80C>T (NM_058197.5).
Identifiers: ClinVar variation 4294270 (VCV004294270.1).
Genomic context (GRCh38, chr9:21,968,322, plus strand): 5'-AACAGGCGTTAGAAACCTGAGGTCAAAGATGTGTGGCACATCCCGCCCTCCTCTCTTGCC[G>A]TCCCTACCGGCATTGAAATACTTATGGATAAAGTTCTCGCAATGGCTTCACGTGCATGTA-3'

ClinVar aggregate classification (germline): Benign (1 of 4 stars; one submission).

Conditions:
Melanoma-pancreatic cancer syndrome. Identifiers: Orphanet 404560, MedGen C1838547, MONDO:0011713, OMIM 606719. Disease mechanism: loss of function.

gnomAD v4.1: 5 of 1,563,504 alleles (0.00032%); highest among the groups gnomAD compares: Non-Finnish European, 0.00044%; no homozygotes.

Submission:

Myriad Genetics, Inc.
Classification: Benign for Melanoma-pancreatic cancer syndrome. Last evaluated: 2025-08-18. Review status: criteria provided, single submitter. Criteria: Myriad Autosomal Dominant, Autosomal Recessive and X-Linked Classification Criteria (2023). Collection method: clinical testing. Allele origin: unknown.
Comment: This variant is considered benign. This variant is intronic and is not expected to impact mRNA splicing.